The following is an entry in ClinVar:

NM_000173.7(GP1BA):c.662A>G (p.Asn221Ser)

Gene: GP1BA (glycoprotein Ib platelet subunit alpha; plus strand). Cytogenetic location: 17p13.2.
Variant type: single nucleotide variant.
Coding change: c.662A>G on transcript NM_000173.7 (MANE Select); coding-DNA position 662, A replaced by G.
Protein change: p.Asn221Ser; replaces asparagine 221 with serine.
Molecular consequence: missense variant.
Genome position (GRCh38, 1-based): chr17:4,933,266, A>G. VCF-style: chr17-4933266-A-G. GRCh37 (hg19) VCF-style: chr17-4836561-A-G.
Other names: p.Asn221Ser; short protein forms N221S.
Identifiers: ClinVar variation 1702694 (VCV001702694.5), dbSNP rs764443652, ClinGen allele CA8314812.

ClinVar aggregate classification (germline): Uncertain significance. Review status: criteria provided, multiple submitters, no conflicts (2 of 4 stars). 3 submissions from 3 submitters: Uncertain significance (3). Last evaluated 2026-05-05.

Allele frequency attached by ClinVar (database versions not stated): gnomAD exomes below 0.00001; ExAC 0.00001.

Submissions (3):

GeneDx
Classification: Uncertain significance. Last evaluated: 2026-05-05. Review status: criteria provided, single submitter. Criteria: GeneDx Variant Classification Process June 2021. Collection method: clinical testing. Allele origin: germline.
Comment: In silico analysis supports that this missense variant has a deleterious effect on protein structure/function; Has not been previously published as pathogenic or benign to our knowledge

Mayo Clinic Laboratories, Mayo Clinic
Classification: Uncertain significance. Last evaluated: 2025-10-02. Review status: criteria provided, single submitter. Criteria: ACMG Guidelines, 2015. Collection method: clinical testing. Allele origin: germline. Observed: 1 variant allele.
Comment: PM2_supporting

Blueprint Genetics
Classification: Uncertain significance. Last evaluated: 2022-03-08. Review status: criteria provided, single submitter. Criteria: ACMG Guidelines, 2015. Collection method: clinical testing. Allele origin: germline.